The following is an entry in ClinVar:

ClinVar aggregate classification (germline): Uncertain significance (1 of 4 stars; one submission).

Conditions:
Bloom syndrome (BLM). Also called: Bloom-Torre-Machacek syndrome. Identifiers: Orphanet 125, MedGen C0005859, MONDO:0008876, OMIM 210900.

Submission:

Labcorp Genetics (formerly Invitae), Labcorp
Classification: Uncertain significance for Bloom syndrome. Last evaluated: 2021-11-13. Review status: criteria provided, single submitter. Criteria: Invitae Variant Classification Sherloc (09022015). Collection method: clinical testing. Allele origin: germline.
Comment: This sequence change replaces valine, which is neutral and non-polar, with leucine, which is neutral and non-polar, at codon 4 of the BLM protein (p.Val4Leu). In summary, the available evidence is currently insufficient to determine the role of this variant in disease. Therefore, it has been classified as a Variant of Uncertain Significance. Algorithms developed to predict the effect of missense changes on protein structure and function output the following: SIFT: "Tolerated"; PolyPhen-2: "Benign"; Align-GVGD: "Class C0". The leucine amino acid residue is found in multiple mammalian species, which suggests that this missense change does not adversely affect protein function. This variant has not been reported in the literature in individuals affected with BLM-related conditions. This variant is not present in population databases (gnomAD no frequency).

NM_000057.4(BLM):c.10G>C (p.Val4Leu)

Gene: BLM (BLM RecQ like helicase; plus strand). Cytogenetic location: 15q26.1.
Variant type: single nucleotide variant.
Coding change: c.10G>C on transcript NM_000057.4 (MANE Select); coding-DNA position 10, G replaced by C.
Protein change: p.Val4Leu; replaces valine 4 with leucine.
Molecular consequence: missense variant. On other transcripts: 5 prime UTR variant (1).
Genome position (GRCh38, 1-based): chr15:90,747,402, G>C. VCF-style: chr15-90747402-G-C. GRCh37 (hg19) VCF-style: chr15-91290632-G-C.
Other names: c.10G>C, p.Val4Leu (NM_001287246.2, NM_001287247.2); c.-1282G>C (NM_001287248.2); short protein forms V4L.
Identifiers: ClinVar variation 1488692 (VCV001488692.6), dbSNP rs1466614215, ClinGen allele CA393838771.